The following is an entry in ClinVar:

NM_020937.4(FANCM):c.4386+1G>A

Gene: FANCM (FA complementation group M; plus strand). Cytogenetic location: 14q21.2.
Variant type: single nucleotide variant.
Coding change: c.4386+1G>A on transcript NM_020937.4 (MANE Select); the canonical splice donor site of the intron after coding-DNA position 4386, G replaced by A.
Molecular consequence: splice donor variant.
Genome position (GRCh38, 1-based): chr14:45,181,706, G>A. VCF-style: chr14-45181706-G-A. GRCh37 (hg19) VCF-style: chr14-45650909-G-A.
Other names: c.4308+1G>A (NM_001308133.2).
Identifiers: ClinVar variation 1512583 (VCV001512583.9), dbSNP rs1889085249, ClinGen allele CA389607399.

ClinVar aggregate classification (germline): Likely pathogenic (1 of 4 stars; one submission).

Conditions:
Fanconi anemia (FA). Also called: Fanconi's anemia. Identifiers: Orphanet 84, MedGen C0015625, MeSH D005199, MONDO:0019391.

Allele frequency attached by ClinVar (database versions not stated): gnomAD exomes below 0.00001; TOPMed below 0.00001.
gnomAD v4.1: 4 of 1,588,440 alleles (0.00025%); highest among the groups gnomAD compares: African/African-American, 0.0013%; no homozygotes.

Submission:

Labcorp Genetics (formerly Invitae), Labcorp
Classification: Likely pathogenic for Fanconi anemia. Last evaluated: 2024-03-07. Review status: criteria provided, single submitter. Criteria: Invitae Variant Classification Sherloc (09022015). Collection method: clinical testing. Allele origin: germline.
Comment: This sequence change affects a donor splice site in intron 16 of the FANCM gene. It is expected to disrupt RNA splicing. Variants that disrupt the donor or acceptor splice site typically lead to a loss of protein function (PMID: 16199547), and loss-of-function variants in FANCM are known to be pathogenic (PMID: 29895858, 30075111). This variant is not present in population databases (gnomAD no frequency). This variant has not been reported in the literature in individuals affected with FANCM-related conditions. ClinVar contains an entry for this variant (Variation ID: 1512583). Algorithms developed to predict the effect of sequence changes on RNA splicing suggest that this variant may disrupt the consensus splice site. In summary, the currently available evidence indicates that the variant is pathogenic, but additional data are needed to prove that conclusively. Therefore, this variant has been classified as Likely Pathogenic.

Literature cited by the submitters: PubMed 16199547; PubMed 29895858; PubMed 30075111.